The following is an entry in ClinVar:

NM_002299.4(LCT):c.2134C>T (p.His712Tyr)

Gene: LCT (lactase; minus strand). Cytogenetic location: 2q21.3.
Variant type: single nucleotide variant.
Coding change: c.2134C>T on transcript NM_002299.4 (MANE Select); coding-DNA position 2134, C replaced by T.
Protein change: p.His712Tyr; replaces histidine 712 with tyrosine.
Molecular consequence: missense variant.
Genome position (GRCh38, 1-based): chr2:135,812,530, G>A on the plus strand (C>T on the coding strand, the complement: LCT is on the minus strand). VCF-style: chr2-135812530-G-A. GRCh37 (hg19) VCF-style: chr2-136570100-G-A.
Other names: short protein forms H712Y.
Identifiers: ClinVar variation 2005536 (VCV002005536.4), dbSNP rs746060213, ClinGen allele CA1888291.

ClinVar aggregate classification (germline): Uncertain significance (1 of 4 stars; one submission).

Allele frequency attached by ClinVar (database versions not stated): gnomAD exomes below 0.00001; TOPMed below 0.00001; ExAC 0.00001; gnomAD 0.00001.

Submission:

Labcorp Genetics (formerly Invitae), Labcorp
Classification: Uncertain significance. Last evaluated: 2022-06-13. Review status: criteria provided, single submitter. Criteria: Invitae Variant Classification Sherloc (09022015). Collection method: clinical testing. Allele origin: germline.
Comment: In summary, the available evidence is currently insufficient to determine the role of this variant in disease. Therefore, it has been classified as a Variant of Uncertain Significance. Algorithms developed to predict the effect of missense changes on protein structure and function are either unavailable or do not agree on the potential impact of this missense change (SIFT: "Not Available"; PolyPhen-2: "Benign"; Align-GVGD: "Not Available"). This variant has not been reported in the literature in individuals affected with LCT-related conditions. This variant is present in population databases (rs746060213, gnomAD 0.007%). This sequence change replaces histidine, which is basic and polar, with tyrosine, which is neutral and polar, at codon 712 of the LCT protein (p.His712Tyr).